The following is an entry in ClinVar:

NM_152564.5(VPS13B):c.4452T>C (p.Asn1484=)

Gene: VPS13B (vacuolar protein sorting 13 homolog B; plus strand). Cytogenetic location: 8q22.2.
Variant type: single nucleotide variant.
Coding change: c.4452T>C on transcript NM_152564.5 (MANE Select); coding-DNA position 4452, T replaced by C.
Protein change: p.Asn1484=; no amino-acid change (asparagine 1484 retained).
Molecular consequence: synonymous variant.
Genome position (GRCh38, 1-based): chr8:99,511,331, T>C. VCF-style: chr8-99511331-T-C. GRCh37 (hg19) VCF-style: chr8-100523559-T-C.
Other names: c.4527T>C, p.Asn1509= (NM_017890.5); c.4452T>C (NM_152564.4).
Identifiers: ClinVar variation 911457 (VCV000911457.19), dbSNP rs148033080, ClinGen allele CA4823536.
Genomic context (GRCh38, chr8:99,511,331, plus strand): 5'-TCATGAAATTCTTCTTTCAGCACAAGCTTTTGATATTGTTCTTTATTTTCCTTTACTTAA[T>C]GCCATTGCAAGTATATTTCAAGCAAAACTACCAAAGACCCAAAAAGAGAAAAGAAAATCT-3'
Protein context (NP_689777.3, residues 1474-1494): FDIVLYFPLL[Asn1484=]AIASIFQAKL

ClinVar aggregate classification (germline): Conflicting classifications of pathogenicity. Review status: criteria provided, conflicting classifications (1 of 4 stars). 5 submissions from 5 submitters: Uncertain significance (1); Likely benign (2). 2 of the submissions do not count toward it. Last evaluated 2026-01-26.

Conditions:
VPS13B-related disorder. Also called: VPS13B-related condition.
Cohen syndrome (COH1). Also called: Cutis verticis gyrata, retinitis pigmentosa, and sensorineural deafness; PEPPER SYNDROME. Identifiers: Orphanet 193, MedGen C0265223, MONDO:0008999, OMIM 216550.

Allele frequency attached by ClinVar (database versions not stated): gnomAD exomes 0.00003 and 0.00008; ExAC 0.00013; 1000 Genomes Project 30x 0.00016; 1000 Genomes Project 0.00020; TOPMed 0.00020; gnomAD 0.00027 and 0.00030; ESP Exome Variant Server 0.00046.
gnomAD v4.1: 79 of 1,613,954 alleles (0.0049%); highest among the groups gnomAD compares: African/African-American, 0.096%; no homozygotes.

Submissions (5):

Labcorp Genetics (formerly Invitae), Labcorp
Classification: Likely benign for Cohen syndrome. Last evaluated: 2026-01-26. Review status: criteria provided, single submitter. Criteria: Invitae Variant Classification Sherloc (09022015). Collection method: clinical testing. Allele origin: germline.

Blueprint Genetics
Classification: Likely benign. Last evaluated: 2024-06-06. Review status: criteria provided, single submitter. Criteria: ACMG Guidelines, 2015. Collection method: clinical testing. Allele origin: germline.

Illumina Laboratory Services, Illumina
Classification: Uncertain significance for Cohen syndrome. Last evaluated: 2018-01-12. Review status: criteria provided, single submitter. Criteria: ICSL Variant Classification Criteria 13 December 2019. Collection method: clinical testing. Allele origin: germline.

PreventionGenetics, part of Exact Sciences
Classification: Likely benign for VPS13B-related condition. Last evaluated: 2021-10-18. Review status: no assertion criteria provided. Collection method: clinical testing. Allele origin: germline. Not counted in ClinVar's aggregate classification.
Comment: This variant is classified as likely benign based on ACMG/AMP sequence variant interpretation guidelines (Richards et al. 2015 PMID: 25741868, with internal and published modifications).

Natera, Inc.
Classification: Likely benign for Cohen syndrome. Last evaluated: 2021-08-18. Review status: no assertion criteria provided. Collection method: clinical testing. Allele origin: germline. Not counted in ClinVar's aggregate classification.